The following is an entry in ClinVar:

NM_138477.4(CDAN1):c.2833G>T (p.Val945Leu)

Gene: CDAN1 (codanin 1; minus strand). Cytogenetic location: 15q15.2.
Variant type: single nucleotide variant.
Coding change: c.2833G>T on transcript NM_138477.4 (MANE Select); coding-DNA position 2833, G replaced by T.
Protein change: p.Val945Leu; replaces valine 945 with leucine.
Molecular consequence: missense variant.
Genome position (GRCh38, 1-based): chr15:42,728,239, C>A on the plus strand (G>T on the coding strand, the complement: CDAN1 is on the minus strand). VCF-style: chr15-42728239-C-A. GRCh37 (hg19) VCF-style: chr15-43020437-C-A.
Other names: c.2833G>T (NM_138477.2); short protein forms V945L.
Identifiers: ClinVar variation 1330653 (VCV001330653.12), dbSNP rs756449578, ClinGen allele CA269902160.
Genomic context (GRCh38, chr15:42,728,239, plus strand): 5'-AGCTGCAGGCCTCCCTCACACGTACGGCTGCCGGGGTCTCCTCTGGAAGCAGCGCCCGCA[C>A]AGCCCCAGGGCTCTTCCTTTGACAGAACCTAAAAGGGGACAGATGGGGTCAGTGATCTCT-3'
Protein context (NP_612486.2, residues 935-955): EFCQRKSPGA[Val945Leu]RALLPEETPA

ClinVar aggregate classification (germline): Uncertain significance. Review status: criteria provided, multiple submitters, no conflicts (2 of 4 stars). 3 submissions from 3 submitters: Uncertain significance (3). Last evaluated 2025-09-30.

Conditions:
Inborn genetic diseases. Identifiers: MedGen C0950123, MeSH D030342.
Anemia, congenital dyserythropoietic, type 1a (CDAN1A). Also called: DYSERYTHROPOIETIC ANEMIA, CONGENITAL, TYPE Ia; CDAN1-Related Congenital Dyserythropoietic Anemia. Identifiers: MedGen C5574667, MONDO:0009135, OMIM 224120.

gnomAD v4.1: 44 of 1,613,874 alleles (0.0027%); highest among the groups gnomAD compares: Non-Finnish European, 0.0035%; no homozygotes.

Submissions (3):

Labcorp Genetics (formerly Invitae), Labcorp
Classification: Uncertain significance. Last evaluated: 2025-09-30. Review status: criteria provided, single submitter. Criteria: Invitae Variant Classification Sherloc (09022015). Collection method: clinical testing. Allele origin: germline.
Comment: This sequence change replaces valine, which is neutral and non-polar, with leucine, which is neutral and non-polar, at codon 945 of the CDAN1 protein (p.Val945Leu). This variant is present in population databases (no rsID available, gnomAD 0.003%). This variant has not been reported in the literature in individuals affected with CDAN1-related conditions. ClinVar contains an entry for this variant (Variation ID: 1330653). An algorithm developed to predict the effect of missense changes on protein structure and function (PolyPhen-2) suggests that this variant is likely to be tolerated. In summary, the available evidence is currently insufficient to determine the role of this variant in disease. Therefore, it has been classified as a Variant of Uncertain Significance.

Ambry Genetics
Classification: Uncertain significance for Inborn genetic diseases. Last evaluated: 2022-09-06. Review status: criteria provided, single submitter. Criteria: Ambry Variant Classification Scheme 2023. Collection method: clinical testing. Allele origin: germline.

ARUP Laboratories, Molecular Genetics and Genomics, ARUP Laboratories
Classification: Uncertain significance for Anemia, congenital dyserythropoietic, type 1a. Last evaluated: 2021-10-01. Review status: criteria provided, single submitter. Criteria: ARUP Molecular Germline Variant Investigation Process 2021. Collection method: clinical testing. Allele origin: germline.